The following is an entry in ClinVar:

ClinVar aggregate classification (germline): Pathogenic (1 of 4 stars; one submission).

Submission:

Labcorp Genetics (formerly Invitae), Labcorp
Classification: Pathogenic. Last evaluated: 2022-03-19. Review status: criteria provided, single submitter. Criteria: Invitae Variant Classification Sherloc (09022015). Collection method: clinical testing. Allele origin: germline.
Comment: For these reasons, this variant has been classified as Pathogenic. This variant disrupts the p.Ala1695 amino acid residue in ABCA4. Other variant(s) that disrupt this residue have been determined to be pathogenic (Invitae). This suggests that this residue is clinically significant, and that variants that disrupt this residue are likely to be disease-causing. Advanced modeling of protein sequence and biophysical properties (such as structural, functional, and spatial information, amino acid conservation, physicochemical variation, residue mobility, and thermodynamic stability) performed at Invitae indicates that this missense variant is expected to disrupt ABCA4 protein function. ClinVar contains an entry for this variant (Variation ID: 1019575). This missense change has been observed in individual(s) with Stargardt disease (PMID: 29925512). This variant is not present in population databases (gnomAD no frequency). This sequence change replaces alanine, which is neutral and non-polar, with aspartic acid, which is acidic and polar, at codon 1695 of the ABCA4 protein (p.Ala1695Asp).

Literature cited by the submitters: PubMed 29925512.

NM_000350.3(ABCA4):c.5084C>A (p.Ala1695Asp)

Gene: ABCA4 (ATP binding cassette subfamily A member 4; minus strand). Cytogenetic location: 1p22.1.
Variant type: single nucleotide variant.
Coding change: c.5084C>A on transcript NM_000350.3 (MANE Select); coding-DNA position 5084, C replaced by A.
Protein change: p.Ala1695Asp; replaces alanine 1695 with aspartic acid.
Molecular consequence: missense variant.
Genome position (GRCh38, 1-based): chr1:94,019,694, G>T on the plus strand (C>A on the coding strand, the complement: ABCA4 is on the minus strand). VCF-style: chr1-94019694-G-T. GRCh37 (hg19) VCF-style: chr1-94485250-G-T.
Other names: c.4862C>A, p.Ala1621Asp (NM_001425324.1); short protein forms A1695D, A1621D.
Identifiers: ClinVar variation 1019575 (VCV001019575.8), dbSNP rs1659842921, ClinGen allele CA341282747.